The following is an entry in ClinVar:

NM_014365.3(HSPB8):c.49C>T (p.Arg17Cys)

Gene: HSPB8 (heat shock protein family B (small) member 8; plus strand). Cytogenetic location: 12q24.23.
Variant type: single nucleotide variant.
Coding change: c.49C>T on transcript NM_014365.3 (MANE Select); coding-DNA position 49, C replaced by T.
Protein change: p.Arg17Cys; replaces arginine 17 with cysteine.
Molecular consequence: missense variant.
Genome position (GRCh38, 1-based): chr12:119,179,361, C>T. VCF-style: chr12-119179361-C-T. GRCh37 (hg19) VCF-style: chr12-119617166-C-T.
Other names: short protein forms R17C.
Identifiers: ClinVar variation 1019441 (VCV001019441.8), dbSNP rs200120006, ClinGen allele CA6819486.

ClinVar aggregate classification (germline): Uncertain significance (1 of 4 stars; one submission).

Conditions:
Charcot-Marie-Tooth disease axonal type 2L. Also called: Charcot-Marie-Tooth Neuropathy Type 2L; CHARCOT-MARIE-TOOTH DISEASE, AXONAL, AUTOSOMAL DOMINANT, TYPE 2L; CHARCOT-MARIE-TOOTH NEUROPATHY, AXONAL, TYPE 2L. Identifiers: Orphanet 99945, MedGen C1837552, MONDO:0012096, OMIM 608673.

Allele frequency attached by ClinVar (database versions not stated): TOPMed below 0.00001; gnomAD 0.00001; gnomAD exomes 0.00001 and 0.00003; ExAC 0.00002.
gnomAD v4.1: 46 of 1,614,014 alleles (0.0029%); highest among the groups gnomAD compares: Non-Finnish European, 0.0036%; no homozygotes.

Submission:

Labcorp Genetics (formerly Invitae), Labcorp
Classification: Uncertain significance for Charcot-Marie-Tooth disease axonal type 2L. Last evaluated: 2022-08-16. Review status: criteria provided, single submitter. Criteria: Invitae Variant Classification Sherloc (09022015). Collection method: clinical testing. Allele origin: germline.
Comment: This sequence change replaces arginine, which is basic and polar, with cysteine, which is neutral and slightly polar, at codon 17 of the HSPB8 protein (p.Arg17Cys). This variant is present in population databases (rs200120006, gnomAD 0.006%). This variant has not been reported in the literature in individuals affected with HSPB8-related conditions. ClinVar contains an entry for this variant (Variation ID: 1019441). Algorithms developed to predict the effect of missense changes on protein structure and function are either unavailable or do not agree on the potential impact of this missense change (SIFT: "Tolerated"; PolyPhen-2: "Probably Damaging"; Align-GVGD: "Class C0"). In summary, the available evidence is currently insufficient to determine the role of this variant in disease. Therefore, it has been classified as a Variant of Uncertain Significance.